The following is an entry in ClinVar:

NM_004260.4(RECQL4):c.2125C>G (p.Arg709Gly)

Gene: RECQL4 (RecQ like helicase 4; minus strand). Cytogenetic location: 8q24.3.
Variant type: single nucleotide variant.
Coding change: c.2125C>G on transcript NM_004260.4 (MANE Select); coding-DNA position 2125, C replaced by G.
Protein change: p.Arg709Gly; replaces arginine 709 with glycine.
Molecular consequence: missense variant.
Genome position (GRCh38, 1-based): chr8:144,513,646, G>C on the plus strand (C>G on the coding strand, the complement: RECQL4 is on the minus strand). VCF-style: chr8-144513646-G-C. GRCh37 (hg19) VCF-style: chr8-145739030-G-C.
Other names: short protein forms R709G.
Identifiers: ClinVar variation 662688 (VCV000662688.7), dbSNP rs199562131, ClinGen allele CA372679834.

ClinVar aggregate classification (germline): Uncertain significance. Review status: criteria provided, multiple submitters, no conflicts (2 of 4 stars). 2 submissions from 2 submitters: Uncertain significance (2). Last evaluated 2025-10-09.

Conditions:
Inborn genetic diseases. Identifiers: MedGen C0950123, MeSH D030342.
Baller-Gerold syndrome (BGS). Also called: CRANIOSYNOSTOSIS WITH RADIAL DEFECTS. Identifiers: Orphanet 1225, MedGen C0265308, MONDO:0009039, OMIM 218600.

Submissions (2):

Labcorp Genetics (formerly Invitae), Labcorp
Classification: Uncertain significance for Baller-Gerold syndrome. Last evaluated: 2025-10-09. Review status: criteria provided, single submitter. Criteria: Invitae Variant Classification Sherloc (09022015). Collection method: clinical testing. Allele origin: germline.
Comment: This sequence change replaces arginine, which is basic and polar, with glycine, which is neutral and non-polar, at codon 709 of the RECQL4 protein (p.Arg709Gly). This variant is not present in population databases (gnomAD no frequency). This variant has not been reported in the literature in individuals affected with RECQL4-related conditions. ClinVar contains an entry for this variant (Variation ID: 662688). Invitae Evidence Modeling of protein sequence and biophysical properties (such as structural, functional, and spatial information, amino acid conservation, physicochemical variation, residue mobility, and thermodynamic stability) indicates that this missense variant is expected to disrupt RECQL4 protein function with a positive predictive value of 80%. In summary, the available evidence is currently insufficient to determine the role of this variant in disease. Therefore, it has been classified as a Variant of Uncertain Significance.

Ambry Genetics
Classification: Uncertain significance for Inborn genetic diseases. Last evaluated: 2024-11-27. Review status: criteria provided, single submitter. Criteria: Ambry Variant Classification Scheme 2023. Collection method: clinical testing. Allele origin: germline.
Comment: The p.R709G variant (also known as c.2125C>G), located in coding exon 13 of the RECQL4 gene, results from a C to G substitution at nucleotide position 2125. The arginine at codon 709 is replaced by glycine, an amino acid with dissimilar properties. This amino acid position is conserved. In addition, this alteration is predicted to be deleterious by in silico analysis. Based on the available evidence, the clinical significance of this variant remains unclear.